The following is an entry in ClinVar:

ClinVar aggregate classification (germline): Uncertain significance. Review status: criteria provided, multiple submitters, no conflicts (2 of 4 stars). 3 submissions from 3 submitters: Uncertain significance (3). Last evaluated 2024-02-19.

Conditions:
Meckel-Gruber syndrome. Also called: DYSENCEPHALIA SPLANCHNOCYSTICA; GRUBER SYNDROME; Dysencephalia splachnocystica. Identifiers: Orphanet 564, MedGen C0265215, MONDO:0018921.
Joubert syndrome. Also called: CEREBELLOPARENCHYMAL DISORDER IV; JOUBERT-BOLTSHAUSER SYNDROME; Familial aplasia of the vermis. Identifiers: Orphanet 475, MedGen C5979921, MONDO:0018772.
Meckel syndrome, type 1 (MKS1). Also called: MECKEL-GRUBER SYNDROME, TYPE 1. Identifiers: Orphanet 564, MedGen C3714506, MONDO:0009571, OMIM 249000.
Bardet-Biedl syndrome 13 (BBS13). Identifiers: Orphanet 110, MedGen C2673873, MONDO:0014441, OMIM 615990.
Joubert syndrome 28 (JBTS28). Identifiers: MedGen C4310705, MONDO:0014928, OMIM 617121.
Inborn genetic diseases. Identifiers: MedGen C0950123, MeSH D030342.

gnomAD v4.1: 1 of 1,551,142 alleles (0.000064%); highest among the groups gnomAD compares: Non-Finnish European, 0.000087%; no homozygotes.

Submissions (3):

Fulgent Genetics
Classification: Uncertain significance for Meckel syndrome, type 1; Bardet-Biedl syndrome 13; Joubert syndrome 28. Last evaluated: 2024-02-19. Review status: criteria provided, single submitter. Criteria: ACMG Guidelines, 2015. Collection method: clinical testing. Allele origin: germline.

Ambry Genetics
Classification: Uncertain significance for Inborn genetic diseases. Last evaluated: 2023-05-30. Review status: criteria provided, single submitter. Criteria: Ambry Variant Classification Scheme 2023. Collection method: clinical testing. Allele origin: germline.

Labcorp Genetics (formerly Invitae), Labcorp
Classification: Uncertain significance for Joubert syndrome; Meckel-Gruber syndrome. Last evaluated: 2021-08-28. Review status: criteria provided, single submitter. Criteria: Invitae Variant Classification Sherloc (09022015). Collection method: clinical testing. Allele origin: germline.
Comment: This sequence change replaces alanine with glutamic acid at codon 13 of the MKS1 protein (p.Ala13Glu). The alanine residue is moderately conserved and there is a moderate physicochemical difference between alanine and glutamic acid. This variant is not present in population databases (ExAC no frequency). This variant has not been reported in the literature in individuals affected with MKS1-related conditions. Algorithms developed to predict the effect of missense changes on protein structure and function are either unavailable or do not agree on the potential impact of this missense change (SIFT: "Deleterious"; PolyPhen-2: "Probably Damaging"; Align-GVGD: "Class C0"). In summary, the available evidence is currently insufficient to determine the role of this variant in disease. Therefore, it has been classified as a Variant of Uncertain Significance.

NM_017777.4(MKS1):c.38C>A (p.Ala13Glu)

Genes: MKS1 (MKS transition zone complex subunit 1; minus strand), LOC130061271 (ATAC-STARR-seq lymphoblastoid active region 12461; plus strand). Cytogenetic location: 17q22.
Variant type: single nucleotide variant.
Coding change: c.38C>A on transcript NM_017777.4 (MANE Select); coding-DNA position 38, C replaced by A.
Protein change: p.Ala13Glu; replaces alanine 13 with glutamic acid.
Molecular consequence: missense variant. On other transcripts: 5 prime UTR variant (1).
Genome position (GRCh38, 1-based): chr17:58,219,193, G>T on the plus strand (C>A on the coding strand, the complement: MKS1 is on the minus strand). VCF-style: chr17-58219193-G-T. GRCh37 (hg19) VCF-style: chr17-56296554-G-T.
Other names: c.-474C>A (NM_001321268.2); c.38C>A, p.Ala13Glu (NM_001321269.2, NM_001330397.2); short protein forms A13E.
Identifiers: ClinVar variation 862585 (VCV000862585.7), dbSNP rs1969448667, ClinGen allele CA400328184.